The following is an entry in ClinVar:

ClinVar aggregate classification (germline): Uncertain significance. Review status: criteria provided, multiple submitters, no conflicts (2 of 4 stars). 3 submissions from 3 submitters: Uncertain significance (3). Last evaluated 2025-11-17.

Conditions:
Frontometaphyseal dysplasia (FMD1). Identifiers: Orphanet 1826, MedGen C0265293, MONDO:0015942.
Oto-palato-digital syndrome, type II (OPD2). Also called: FACIOPALATOOSSEOUS SYNDROME; Otopalatodigital Syndrome, Type II; Otopalatodigital Syndrome Type 2 (FLNA-OPD2); OPD II SYNDROME. Identifiers: Orphanet 669, Orphanet 90652, MedGen C1844696, MONDO:0010571, OMIM 304120.
Heterotopia, periventricular, X-linked dominant (PVNH1). Also called: PERIVENTRICULAR NODULAR HETEROTOPIA 4; HETEROTOPIA, PERIVENTRICULAR, 1; PERIVENTRICULAR NODULAR HETEROTOPIA 1; X-linked periventricular heterotopia. Identifiers: Orphanet 2149, Orphanet 82004, MedGen C1848213, MONDO:0010233, OMIM 300049.
Melnick-Needles syndrome (MNS). Also called: Melnick-Needles Syndrome (FLNA-MNS); MELNICK-NEEDLES OSTEODYSPLASTY; OSTEODYSPLASTY OF MELNICK AND NEEDLES. Identifiers: Orphanet 2484, MedGen C0025237, MONDO:0010650, OMIM 309350.

Allele frequency attached by ClinVar (database versions not stated): gnomAD exomes below 0.00001; ExAC 0.00001; gnomAD 0.00001; TOPMed 0.00002.
gnomAD v4.1: 6 of 1,210,090 alleles (0.0005%); highest among the groups gnomAD compares: Non-Finnish European, 0.00045%; no homozygotes.

Submissions (3):

Labcorp Genetics (formerly Invitae), Labcorp
Classification: Uncertain significance for Oto-palato-digital syndrome, type II; Heterotopia, periventricular, X-linked dominant; Frontometaphyseal dysplasia; Melnick-Needles syndrome. Last evaluated: 2025-11-17. Review status: criteria provided, single submitter. Criteria: Invitae Variant Classification Sherloc (09022015). Collection method: clinical testing. Allele origin: germline.
Comment: This sequence change replaces alanine, which is neutral and non-polar, with threonine, which is neutral and polar, at codon 366 of the FLNA protein (p.Ala366Thr). This variant is not present in population databases (gnomAD no frequency). This missense change has been observed in individual(s) with thoracic aortic aneurysm and/or dissection (PMID: 26188975). ClinVar contains an entry for this variant (Variation ID: 658173). Invitae Evidence Modeling of protein sequence and biophysical properties (such as structural, functional, and spatial information, amino acid conservation, physicochemical variation, residue mobility, and thermodynamic stability) indicates that this missense variant is not expected to disrupt FLNA protein function with a negative predictive value of 95%. In summary, the available evidence is currently insufficient to determine the role of this variant in disease. Therefore, it has been classified as a Variant of Uncertain Significance.

GeneDx
Classification: Uncertain significance. Last evaluated: 2024-12-11. Review status: criteria provided, single submitter. Criteria: GeneDx Variant Classification Process June 2021. Collection method: clinical testing. Allele origin: germline. Affected: yes.
Comment: In silico analysis indicates that this missense variant does not alter protein structure/function; This variant is associated with the following publications: (PMID: 26188975)

Mayo Clinic Laboratories, Mayo Clinic
Classification: Uncertain significance. Last evaluated: 2023-03-22. Review status: criteria provided, single submitter. Criteria: ACMG Guidelines, 2015. Collection method: clinical testing. Allele origin: germline. Observed: 1 variant allele.
Comment: BP4, PP2, PM2_supporting

Literature cited by the submitters: PubMed 26188975 (cited by Labcorp Genetics (formerly Invitae), Labcorp and Mayo Clinic Laboratories, Mayo Clinic).

NM_001110556.2(FLNA):c.1096G>A (p.Ala366Thr)

Gene: FLNA (filamin A; minus strand). Cytogenetic location: Xq28.
Variant type: single nucleotide variant.
Coding change: c.1096G>A on transcript NM_001110556.2 (MANE Select); coding-DNA position 1096, G replaced by A.
Protein change: p.Ala366Thr; replaces alanine 366 with threonine.
Molecular consequence: missense variant.
Genome position (GRCh38, 1-based): chrX:154,366,440, C>T on the plus strand (G>A on the coding strand, the complement: FLNA is on the minus strand). VCF-style: chrX-154366440-C-T. GRCh37 (hg19) VCF-style: chrX-153594808-C-T.
Other names: p.Ala366Thr; c.1096G>A, p.Ala366Thr (NM_001456.4); short protein forms A366T.
Identifiers: ClinVar variation 658173 (VCV000658173.10), dbSNP rs781805670, ClinGen allele CA10561259.